The following is an entry in ClinVar:

NC_000009.11:g.79952184_(79952454_79954431)del

Gene: VPS13A (vacuolar protein sorting 13 homolog A; plus strand).
Variant type: Deletion.
Identifiers: ClinVar variation 4847056 (VCV004847056.1).

ClinVar aggregate classification (germline): Likely pathogenic (1 of 4 stars; one submission).

Conditions:
VPS13A-related neurodegenerative disease. Also called: LEVINE-CRITCHLEY SYNDROME; Choreaacanthocytosis; ACANTHOCYTOSIS WITH NEUROLOGIC DISORDER; Choreoacanthocytosis; Chorea-acanthocytosis; VPS13A Disease. Identifiers: Orphanet 2388, MedGen C0393576, MONDO:0008695, OMIM 200150.

Submission:

Women's Health and Genetics/Laboratory Corporation of America, LabCorp
Classification: Likely pathogenic for VPS13A-related neurodegenerative disease. Last evaluated: 2026-03-20. Review status: criteria provided, single submitter. Criteria: LabCorp Variant Classification Summary - May 2015. Collection method: clinical testing. Allele origin: germline.
Comment: Variant summary: The variant involves the partial deletion of exon 47 in the VPS13A gene. A presumed nomenclature of c.6109_(6378+1_6379-1)del has been designated for the purposes of this classification. This CNV spans a canonical splice-site and therefore predicted to result in loss-of-function. Loss-of-function variants in this gene are known to be pathogenic. The variant was absent in 120780 control chromosomes in the gnomAD database (Structural Variants v4.1 dataset). To our knowledge, no occurrence of c.6109_(6378+1_6379-1)del in individuals affected with VPS13A-related conditions and no experimental evidence demonstrating its impact on protein function have been reported. No submitters have cited clinical-significance assessments for this variant to ClinVar. Based on the evidence outlined above, the variant was classified as likely pathogenic.